The following is an entry in ClinVar:

ClinVar aggregate classification (germline): Uncertain significance (1 of 4 stars; one submission).

Allele frequency attached by ClinVar (database versions not stated): TOPMed below 0.00001.

Submission:

Labcorp Genetics (formerly Invitae), Labcorp
Classification: Uncertain significance. Last evaluated: 2022-07-19. Review status: criteria provided, single submitter. Criteria: Invitae Variant Classification Sherloc (09022015). Collection method: clinical testing. Allele origin: germline.
Comment: In summary, the available evidence is currently insufficient to determine the role of this variant in disease. Therefore, it has been classified as a Variant of Uncertain Significance. Algorithms developed to predict the effect of missense changes on protein structure and function (SIFT, PolyPhen-2, Align-GVGD) all suggest that this variant is likely to be disruptive. This variant has not been reported in the literature in individuals affected with NACC1-related conditions. This variant is present in population databases (no rsID available, gnomAD 0.007%). This sequence change replaces proline, which is neutral and non-polar, with leucine, which is neutral and non-polar, at codon 323 of the NACC1 protein (p.Pro323Leu).

NM_052876.4(NACC1):c.968C>T (p.Pro323Leu)

Gene: NACC1 (nucleus accumbens associated 1; plus strand). Cytogenetic location: 19p13.13.
Variant type: single nucleotide variant.
Coding change: c.968C>T on transcript NM_052876.4 (MANE Select); coding-DNA position 968, C replaced by T.
Protein change: p.Pro323Leu; replaces proline 323 with leucine.
Molecular consequence: missense variant.
Genome position (GRCh38, 1-based): chr19:13,136,253, C>T. VCF-style: chr19-13136253-C-T. GRCh37 (hg19) VCF-style: chr19-13247067-C-T.
Other names: short protein forms P323L.
Identifiers: ClinVar variation 1938722 (VCV001938722.5), dbSNP rs1253012352, ClinGen allele CA404327166.